The following is an entry in ClinVar:

ClinVar aggregate classification (germline): Benign. Review status: criteria provided, multiple submitters, no conflicts (2 of 4 stars). 3 submissions from 3 submitters: Benign (3). Last evaluated 2026-01-19.

Conditions:
DDRGK1-related disorder. Also called: DDRGK1-related condition.

Allele frequency attached by ClinVar (database versions not stated): gnomAD exomes 0.00134 and 0.00337; ExAC 0.00585; 1000 Genomes Project 0.00938; 1000 Genomes Project 30x 0.01015; gnomAD 0.01125 and 0.01224; ESP Exome Variant Server 0.01185; TOPMed 0.01258.
gnomAD v4.1: 3,650 of 1,552,970 alleles (0.24%); highest among the groups gnomAD compares: African/African-American, 3.8%; 59 homozygotes.

Submissions (3):

Labcorp Genetics (formerly Invitae), Labcorp
Classification: Benign. Last evaluated: 2026-01-19. Review status: criteria provided, single submitter. Criteria: Invitae Variant Classification Sherloc (09022015). Collection method: clinical testing. Allele origin: germline.

PreventionGenetics, part of Exact Sciences
Classification: Benign for DDRGK1-related condition. Last evaluated: 2025-07-21. Review status: criteria provided, single submitter. Criteria: ACMG Guidelines, 2015. Collection method: clinical testing. Allele origin: germline.
Comment: This variant is classified as benign based on ACMG/AMP sequence variant interpretation guidelines (Richards et al. 2015 PMID: 25741868, with internal and published modifications).

Breakthrough Genomics
Classification: Benign. Review status: criteria provided, single submitter. Criteria: ACMG Guidelines, 2015. Collection method: not provided. Allele origin: germline. Inheritance: Autosomal recessive inheritance. Affected: yes.

NM_023935.3(DDRGK1):c.295+6A>G

Gene: DDRGK1 (DDRGK domain containing 1; minus strand). Cytogenetic location: 20p13.
Variant type: single nucleotide variant.
Coding change: c.295+6A>G on transcript NM_023935.3 (MANE Select); 6 bases into the intron after coding-DNA position 295, A replaced by G.
Molecular consequence: intron variant.
Genome position (GRCh38, 1-based): chr20:3,203,207, T>C on the plus strand (A>G on the coding strand, the complement: DDRGK1 is on the minus strand). VCF-style: chr20-3203207-T-C. GRCh37 (hg19) VCF-style: chr20-3183853-T-C.
Identifiers: ClinVar variation 778875 (VCV000778875.12), dbSNP rs76126867, ClinGen allele CA9740986.
Genomic context (GRCh38, chr20:3,203,207, plus strand): 5'-TTTGGGGGCCCTTTTATCCCCCCCTCCAACCCAAACCCTCTCCCCACCAGGCTGGGCCCC[T>C]CTCACCTAGGATGACAGCTTCCTCCTCGTTCTCATCTGCTTCTGCCCAGGCCACCCGCTG-3'